The following is an entry in ClinVar:

NM_001379500.1(COL18A1):c.1519C>A (p.Arg507Ser)

Gene: COL18A1 (collagen type XVIII alpha 1 chain; plus strand). Cytogenetic location: 21q22.3.
Variant type: single nucleotide variant.
Coding change: c.1519C>A on transcript NM_001379500.1 (MANE Select); coding-DNA position 1519, C replaced by A.
Protein change: p.Arg507Ser; replaces arginine 507 with serine.
Molecular consequence: missense variant.
Genome position (GRCh38, 1-based): chr21:45,480,766, C>A. VCF-style: chr21-45480766-C-A. GRCh37 (hg19) VCF-style: chr21-46900680-C-A.
Other names: c.2059C>A, p.Arg687Ser (NM_030582.4); c.2764C>A, p.Arg922Ser (NM_130444.3); short protein forms R507S, R922S, R687S.
Identifiers: ClinVar variation 2103429 (VCV002103429.4), dbSNP rs764759377, ClinGen allele CA410517749.

ClinVar aggregate classification (germline): Uncertain significance (1 of 4 stars; one submission).

gnomAD v4.1: 1 of 1,611,352 alleles (0.000062%); highest among the groups gnomAD compares: Admixed American, 0.0017%; no homozygotes.

Submission:

Labcorp Genetics (formerly Invitae), Labcorp
Classification: Uncertain significance. Last evaluated: 2022-02-25. Review status: criteria provided, single submitter. Criteria: Invitae Variant Classification Sherloc (09022015). Collection method: clinical testing. Allele origin: germline.
Comment: This variant is present in population databases (no rsID available, gnomAD 0.003%). This sequence change replaces arginine, which is basic and polar, with serine, which is neutral and polar, at codon 507 of the COL18A1 protein (p.Arg507Ser). This variant has not been reported in the literature in individuals affected with COL18A1-related conditions. In summary, the available evidence is currently insufficient to determine the role of this variant in disease. Therefore, it has been classified as a Variant of Uncertain Significance. Experimental studies and prediction algorithms are not available or were not evaluated, and the functional significance of this variant is currently unknown.